The following is an entry in ClinVar:

NM_002905.5(RDH5):c.253G>C (p.Asp85His)

Genes: BLOC1S1-RDH5 (BLOC1S1-RDH5 readthrough; plus strand), RDH5 (retinol dehydrogenase 5; plus strand). Cytogenetic location: 12q13.2.
Variant type: single nucleotide variant.
Coding change: c.253G>C on transcript NM_002905.5 (MANE Select); coding-DNA position 253, G replaced by C.
Protein change: p.Asp85His; replaces aspartic acid 85 with histidine.
Molecular consequence: missense variant.
Genome position (GRCh38, 1-based): chr12:55,721,437, G>C. VCF-style: chr12-55721437-G-C. GRCh37 (hg19) VCF-style: chr12-56115221-G-C.
Other names: c.253G>C, p.Asp85His (NM_001199771.3); short protein forms D85H.
Identifiers: ClinVar variation 1368492 (VCV001368492.3), dbSNP rs963655569, ClinGen allele CA237593509.

ClinVar aggregate classification (germline): Uncertain significance (1 of 4 stars; one submission).

Allele frequency attached by ClinVar (database versions not stated): gnomAD 0.00001; TOPMed 0.00001.

Submission:

Labcorp Genetics (formerly Invitae), Labcorp
Classification: Uncertain significance. Last evaluated: 2021-11-14. Review status: criteria provided, single submitter. Criteria: Invitae Variant Classification Sherloc (09022015). Collection method: clinical testing. Allele origin: germline.
Comment: This sequence change replaces aspartic acid, which is acidic and polar, with histidine, which is basic and polar, at codon 85 of the RDH5 protein (p.Asp85His). This variant is present in population databases (no rsID available, gnomAD 0.01%). This variant has not been reported in the literature in individuals affected with RDH5-related conditions. Algorithms developed to predict the effect of missense changes on protein structure and function are either unavailable or do not agree on the potential impact of this missense change (SIFT: "Deleterious"; PolyPhen-2: "Benign"; Align-GVGD: "Class C0"). In summary, the available evidence is currently insufficient to determine the role of this variant in disease. Therefore, it has been classified as a Variant of Uncertain Significance.